The following is an entry in ClinVar:

ClinVar aggregate classification (germline): Likely benign. Review status: criteria provided, multiple submitters, no conflicts (2 of 4 stars). 4 submissions from 4 submitters: Likely benign (4). Last evaluated 2025-08-31.

Conditions:
Amelogenesis imperfecta type 1G (AI1G). Also called: ENAMEL-RENAL-GINGIVAL SYNDROME; AMELOGENESIS IMPERFECTA, HYPOPLASTIC, WITH NEPHROCALCINOSIS; AMELOGENESIS IMPERFECTA, HYPOPLASTIC, AND NEPHROCALCINOSIS; AMELOGENESIS IMPERFECTA, TYPE IG; Amelogenesis imperfecta-gingival hyperplasia syndrome; Amelogenesis imperfecta nephrocalcinosis. Identifiers: Orphanet 1031, Orphanet 171836, MedGen C2931783, MONDO:0008771, OMIM 204690. Disease mechanism: loss of function.

Allele frequency attached by ClinVar (database versions not stated): gnomAD exomes 0.00022 and 0.00040; ESP Exome Variant Server 0.00023; ExAC 0.00029; gnomAD 0.00030 and 0.00031; TOPMed 0.00031; 1000 Genomes Project 30x 0.00047; 1000 Genomes Project 0.00060.

Submissions (4):

Labcorp Genetics (formerly Invitae), Labcorp
Classification: Likely benign. Last evaluated: 2025-08-31. Review status: criteria provided, single submitter. Criteria: Invitae Variant Classification Sherloc (09022015). Collection method: clinical testing. Allele origin: germline.

Blueprint Genetics
Classification: Likely benign. Last evaluated: 2024-07-31. Review status: criteria provided, single submitter. Criteria: ACMG Guidelines, 2015. Collection method: clinical testing. Allele origin: germline.

CeGaT Center for Human Genetics Tuebingen
Classification: Likely benign. Last evaluated: 2024-04-01. Review status: criteria provided, single submitter. Criteria: CeGaT Center For Human Genetics Tuebingen Variant Classification Criteria Version 2. Collection method: clinical testing. Allele origin: germline. Affected: yes. Observed: 1 variant allele.
Comment: FAM20A: BP4, BP7

Fulgent Genetics
Classification: Likely benign for Amelogenesis imperfecta type 1G. Last evaluated: 2022-03-22. Review status: criteria provided, single submitter. Criteria: ACMG Guidelines, 2015. Collection method: clinical testing. Allele origin: unknown.

NM_017565.4(FAM20A):c.513T>C (p.His171=)

Gene: FAM20A (FAM20A golgi associated secretory pathway pseudokinase; minus strand). Cytogenetic location: 17q24.2.
Variant type: single nucleotide variant.
Coding change: c.513T>C on transcript NM_017565.4 (MANE Select); coding-DNA position 513, T replaced by C.
Protein change: p.His171=; no amino-acid change (histidine 171 retained).
Molecular consequence: synonymous variant. On other transcripts: non-coding transcript variant (1).
Genome position (GRCh38, 1-based): chr17:68,555,635, A>G on the plus strand (T>C on the coding strand, the complement: FAM20A is on the minus strand). VCF-style: chr17-68555635-A-G. GRCh37 (hg19) VCF-style: chr17-66551776-A-G.
Other names: c.99T>C, p.His33= (NM_001243746.2).
Identifiers: ClinVar variation 730383 (VCV000730383.33), dbSNP rs181817943, ClinGen allele CA8730052.